The following is an entry in ClinVar:

ClinVar aggregate classification (germline): Uncertain significance. Review status: criteria provided, multiple submitters, no conflicts (2 of 4 stars). 3 submissions from 3 submitters: Uncertain significance (3). Last evaluated 2026-01-09.

Conditions:
Cardiovascular phenotype. Identifiers: MedGen CN230736.
ALPK3-related disorder. Also called: ALPK3-related condition.

Allele frequency attached by ClinVar (database versions not stated): TOPMed 0.00006; ExAC 0.00012; gnomAD 0.00005; gnomAD exomes 0.00005.

Submissions (3):

Labcorp Genetics (formerly Invitae), Labcorp
Classification: Uncertain significance. Last evaluated: 2026-01-09. Review status: criteria provided, single submitter. Criteria: Invitae Variant Classification Sherloc (09022015). Collection method: clinical testing. Allele origin: germline.
Comment: This sequence change replaces glycine, which is neutral and non-polar, with serine, which is neutral and polar, at codon 76 of the ALPK3 protein (p.Gly76Ser). This variant is present in population databases (rs758170095, gnomAD 0.01%). This variant has not been reported in the literature in individuals affected with ALPK3-related conditions. ClinVar contains an entry for this variant (Variation ID: 1445205). An algorithm developed to predict the effect of missense changes on protein structure and function (PolyPhen-2) suggests that this variant is likely to be disruptive. In summary, the available evidence is currently insufficient to determine the role of this variant in disease. Therefore, it has been classified as a Variant of Uncertain Significance.

PreventionGenetics, part of Exact Sciences
Classification: Uncertain significance for ALPK3-related condition. Last evaluated: 2025-08-04. Review status: criteria provided, single submitter. Criteria: ACMG Guidelines, 2015. Collection method: clinical testing. Allele origin: germline.
Comment: The ALPK3 c.226G>A variant is predicted to result in the amino acid substitution p.Gly76Ser. To our knowledge, this variant has not been reported in the literature. This variant is reported in 0.011% of alleles in individuals of European (Non-Finnish) descent in gnomAD. At this time, the clinical significance of this variant is uncertain due to the absence of conclusive functional and genetic evidence.

Ambry Genetics
Classification: Uncertain significance for Cardiovascular phenotype. Last evaluated: 2023-10-02. Review status: criteria provided, single submitter. Criteria: Ambry Variant Classification Scheme 2023. Collection method: clinical testing. Allele origin: germline.
Comment: The p.G76S variant (also known as c.226G>A), located in coding exon 1 of the ALPK3 gene, results from a G to A substitution at nucleotide position 226. The glycine at codon 76 is replaced by serine, an amino acid with similar properties. This amino acid position is well conserved in available vertebrate species. In addition, this alteration is predicted to be tolerated by in silico analysis. Since supporting evidence is limited at this time, the clinical significance of this alteration remains unclear.

NC_000015.10:g.84817072G>A

Gene: ALPK3 (alpha kinase 3; plus strand). Cytogenetic location: 15q25.3.
Variant type: single nucleotide variant.
Genome position: GRCh38 VCF-style: chr15-84817072-G-A. GRCh37 (hg19) VCF-style: chr15-85360303-G-A.
Other names: short protein forms G76S.
Identifiers: ClinVar variation 1445205 (VCV001445205.8), dbSNP rs758170095, ClinGen allele CA7708820.